The following is an entry in ClinVar:

ClinVar aggregate classification (germline): Pathogenic (1 of 4 stars; one submission).

Conditions:
CHARGE syndrome (CHARGE). Also called: Hittner Hirsch Kreh syndrome; CHARGE ASSOCIATION--COLOBOMA, HEART ANOMALY, CHOANAL ATRESIA, RETARDATION, GENITAL AND EAR ANOMALIES; Coloboma, heart anomaly, choanal atresia, retardation, genital and ear anomalies; CHARGE association; Hall-Hittner syndrome. Identifiers: Orphanet 138, MedGen C0265354, MONDO:0008965.

Submission:

Victorian Clinical Genetics Services, Murdoch Childrens Research Institute
Classification: Pathogenic for CHD7-related CHARGE syndrome. Review status: criteria provided, single submitter. Criteria: ACMG Guidelines, 2015. Collection method: clinical testing. Allele origin: de novo. Affected: yes.
Comment: - Variant is predicted to cause nonsense-mediated decay (NMD) and loss of protein (premature termination codon is located at least 54 nucleotides upstream of the final exon-exon junction). - Variant is absent from gnomAD (both v2 and v3). - Other NMD-predicted variants comparable to the one identified in this case have very strong previous evidence for pathogenicity. Many NMD-predicted variants have been reported as pathogenic and observed in individuals with CHARGE syndrome (DECIPHER). - Very strong and specific phenotype match for this individual. Additional information: - Loss of function is a known mechanism of disease in this gene and is associated with CHARGE syndrome (MIM#214800) and hypogonadotropic hypogonadism 5 with or without anosmia (MIM#612370). - This gene is associated with autosomal dominant disease. - This variant is heterozygous. - This variant has no previous evidence of pathogenicity. - No published segregation evidence has been identified for this variant. - No published functional evidence has been identified for this variant.

NM_017780.4(CHD7):c.7711_7718del (p.Val2571fs)

Gene: CHD7 (chromodomain helicase DNA binding protein 7; plus strand). Cytogenetic location: 8q12.2.
Variant type: Deletion.
Coding change: c.7711_7718del on transcript NM_017780.4 (MANE Select); coding-DNA positions 7711 to 7718, 8 bases deleted (GTTATCAA; older notation c.7711_7718delGTTATCAA).
Protein change: p.Val2571fs; shifts the reading frame from valine 2571.
Molecular consequence: frameshift variant. On other transcripts: intron variant (1).
Genome position (GRCh38, 1-based): chr8:60,861,006-60,861,013, GTTATCAA deleted. VCF-style (leftmost placement, unchanged base first): chr8-60861005-TGTTATCAA-T. GRCh37 (hg19) VCF-style: chr8-61773564-TGTTATCAA-T.
Other names: c.7711_7718delGTTATCAA, p.Val2571Serfs (NM_017780.2); c.1717-1223_1717-1216del (NM_001316690.1); short protein forms V2571fs.
Identifiers: ClinVar variation 2500762 (VCV002500762.1), dbSNP rs2488107600, ClinGen allele CA2580078843.